The following is an entry in ClinVar:

ClinVar aggregate classification (germline): Likely benign (1 of 4 stars; one submission).

Conditions:
Familial thoracic aortic aneurysm and aortic dissection (TAAD). Also called: Thoracic aortic aneurysms and dissections. Identifiers: Orphanet 91387, MedGen C4707243, MONDO:0019625.

Submission:

All of Us Research Program, National Institutes of Health
Classification: Likely benign for Familial thoracic aortic aneurysm and aortic dissection. Last evaluated: 2024-06-09. Review status: criteria provided, single submitter. Criteria: ACMG Guidelines, 2015. Collection method: clinical testing. Allele origin: germline. Inheritance: Autosomal dominant inheritance. Observed: 1 variant allele, 1 heterozygote.
Comment: This study involves interpretation of variants in research participants for the purpose of population health screening. Participant phenotype was not available at the time of variant classification. Additional details can be found in publication PMID: 35346344, PMCID: PMC8962531

NM_001613.4(ACTA2):c.455-15C>A

Gene: ACTA2 (actin alpha 2, smooth muscle; minus strand). Cytogenetic location: 10q23.31.
Variant type: single nucleotide variant.
Coding change: c.455-15C>A on transcript NM_001613.4 (MANE Select); 15 bases into the intron before coding-DNA position 455, C replaced by A.
Molecular consequence: intron variant.
Genome position (GRCh38, 1-based): chr10:88,941,405, G>T on the plus strand (C>A on the coding strand, the complement: ACTA2 is on the minus strand). VCF-style: chr10-88941405-G-T. GRCh37 (hg19) VCF-style: chr10-90701162-G-T.
Other names: c.326-15C>A (NM_001406467.1, NM_001406468.1, NM_001406469.1); c.455-15C>A (NM_001320855.2, NM_001406462.1, NM_001406471.1 and 3 more transcripts); c.344-15C>A (NM_001406466.1).
Identifiers: ClinVar variation 3386257 (VCV003386257.1).